The following is an entry in ClinVar:

NM_001162501.2(TNRC6B):c.1050G>A (p.Met350Ile)

Gene: TNRC6B (trinucleotide repeat containing adaptor 6B; plus strand). Cytogenetic location: 22q13.1.
Variant type: single nucleotide variant.
Coding change: c.1050G>A on transcript NM_001162501.2 (MANE Select); coding-DNA position 1050, G replaced by A.
Protein change: p.Met350Ile; replaces methionine 350 with isoleucine.
Molecular consequence: missense variant. On other transcripts: intron variant (1).
Genome position (GRCh38, 1-based): chr22:40,265,280, G>A. VCF-style: chr22-40265280-G-A. GRCh37 (hg19) VCF-style: chr22-40661284-G-A.
Other names: c.1050G>A, p.Met350Ile (NM_015088.3); c.565+3107G>A (NM_001024843.2); short protein forms M350I.
Identifiers: ClinVar variation 4992901 (VCV004992901.1).
Genomic context (GRCh38, chr22:40,265,280, plus strand): 5'-TAATTCCAGTGCACAGGTTAGCACAGTAGGTCAGACATCCAGGGAACAGCAGTCAAAGAT[G>A]GAAAATGCGGGTGTTAATTTTGTTGTCTCTGGCAGAGAACAGGCTCAAATTCATAACACT-3'
Protein context (NP_001155973.1, residues 340-360): GQTSREQQSK[Met350Ile]ENAGVNFVVS

ClinVar aggregate classification (germline): Uncertain significance (1 of 4 stars; one submission).

Conditions:
TNRC6B-related disorder. Also called: TNRC6B-related condition.

Submission:

PreventionGenetics, part of Exact Sciences
Classification: Uncertain significance for TNRC6B-related condition. Last evaluated: 2025-09-09. Review status: criteria provided, single submitter. Criteria: ACMG Guidelines, 2015. Collection method: clinical testing. Allele origin: germline.
Comment: The TNRC6B c.1050G>A variant is predicted to result in the amino acid substitution p.Met350Ile. To our knowledge, this variant has not been reported in the literature or in a large population database (gnomAD), indicating this variant is rare. At this time, the clinical significance of this variant is uncertain due to the absence of conclusive functional and genetic evidence.